The following is an entry in ClinVar:

NM_004260.4(RECQL4):c.619G>T (p.Ala207Ser)

Gene: RECQL4 (RecQ like helicase 4; minus strand). Cytogenetic location: 8q24.3.
Variant type: single nucleotide variant.
Coding change: c.619G>T on transcript NM_004260.4 (MANE Select); coding-DNA position 619, G replaced by T.
Protein change: p.Ala207Ser; replaces alanine 207 with serine.
Molecular consequence: missense variant.
Genome position (GRCh38, 1-based): chr8:144,516,500, C>A on the plus strand (G>T on the coding strand, the complement: RECQL4 is on the minus strand). VCF-style: chr8-144516500-C-A. GRCh37 (hg19) VCF-style: chr8-145741884-C-A.
Other names: c.619G>T (NM_004260.3); short protein forms A207S.
Identifiers: ClinVar variation 1498564 (VCV001498564.7), dbSNP rs2130725510, ClinGen allele CA372690073.

ClinVar aggregate classification (germline): Uncertain significance. Review status: criteria provided, multiple submitters, no conflicts (2 of 4 stars). 2 submissions from 2 submitters: Uncertain significance (2). Last evaluated 2026-02-23.

Conditions:
Inborn genetic diseases. Identifiers: MedGen C0950123, MeSH D030342.
Baller-Gerold syndrome (BGS). Also called: CRANIOSYNOSTOSIS WITH RADIAL DEFECTS. Identifiers: Orphanet 1225, MedGen C0265308, MONDO:0009039, OMIM 218600.

Submissions (2):

Ambry Genetics
Classification: Uncertain significance for Inborn genetic diseases. Last evaluated: 2026-02-23. Review status: criteria provided, single submitter. Criteria: Ambry Variant Classification Scheme 2023. Collection method: clinical testing. Allele origin: germline.
Comment: The p.A207S variant (also known as c.619G>T), located in coding exon 5 of the RECQL4 gene, results from a G to T substitution at nucleotide position 619. The alanine at codon 207 is replaced by serine, an amino acid with similar properties. This amino acid position is conserved. In addition, this alteration is predicted to be tolerated by in silico analysis. Based on the available evidence, the clinical significance of this variant remains unclear.

Labcorp Genetics (formerly Invitae), Labcorp
Classification: Uncertain significance for Baller-Gerold syndrome. Last evaluated: 2022-11-15. Review status: criteria provided, single submitter. Criteria: Invitae Variant Classification Sherloc (09022015). Collection method: clinical testing. Allele origin: germline.
Comment: In summary, the available evidence is currently insufficient to determine the role of this variant in disease. Therefore, it has been classified as a Variant of Uncertain Significance. Advanced modeling of protein sequence and biophysical properties (such as structural, functional, and spatial information, amino acid conservation, physicochemical variation, residue mobility, and thermodynamic stability) performed at Invitae indicates that this missense variant is not expected to disrupt RECQL4 protein function. ClinVar contains an entry for this variant (Variation ID: 1498564). This variant has not been reported in the literature in individuals affected with RECQL4-related conditions. This variant is not present in population databases (gnomAD no frequency). This sequence change replaces alanine, which is neutral and non-polar, with serine, which is neutral and polar, at codon 207 of the RECQL4 protein (p.Ala207Ser).